The following is an entry in ClinVar:

NM_006904.7(PRKDC):c.3675G>C (p.Glu1225Asp)

Gene: PRKDC (protein kinase, DNA-activated, catalytic subunit; minus strand). Cytogenetic location: 8q11.21.
Variant type: single nucleotide variant.
Coding change: c.3675G>C on transcript NM_006904.7 (MANE Select); coding-DNA position 3675, G replaced by C.
Protein change: p.Glu1225Asp; replaces glutamic acid 1225 with aspartic acid.
Molecular consequence: missense variant.
Genome position (GRCh38, 1-based): chr8:47,893,311, C>G on the plus strand (G>C on the coding strand, the complement: PRKDC is on the minus strand). VCF-style: chr8-47893311-C-G. GRCh37 (hg19) VCF-style: chr8-48805871-C-G.
Other names: c.3675G>C, p.Glu1225Asp (NM_001081640.2); short protein forms E1225D.
Identifiers: ClinVar variation 3225843 (VCV003225843.1), dbSNP rs763655576, ClinGen allele CA371150821.

ClinVar aggregate classification (germline): Uncertain significance (1 of 4 stars; one submission).

gnomAD v4.1: 11 of 1,604,084 alleles (0.00069%); highest among the groups gnomAD compares: Admixed American, 0.0017%; 1 homozygote.

Submission:

Ambry Genetics
Classification: Uncertain significance. Last evaluated: 2023-11-29. Review status: criteria provided, single submitter. Criteria: Ambry Variant Classification Scheme 2023. Collection method: clinical testing. Allele origin: germline.
Comment: The p.E1225D variant (also known as c.3675G>C), located in coding exon 31 of the PRKDC gene, results from a G to C substitution at nucleotide position 3675. The glutamic acid at codon 1225 is replaced by aspartic acid, an amino acid with highly similar properties. This amino acid position is conserved. In addition, this alteration is predicted to be tolerated by in silico analysis. Since supporting evidence is limited at this time, the clinical significance of this alteration remains unclear.